The following is an entry in ClinVar:

ClinVar aggregate classification (germline): Uncertain significance (1 of 4 stars; one submission).

Conditions:
Hereditary cancer-predisposing syndrome. Also called: Hereditary Cancer Syndrome; Hereditary neoplastic syndrome; Neoplastic Syndromes, Hereditary; Tumor predisposition. Identifiers: Orphanet 140162, MedGen C0027672, MeSH D009386, MONDO:0015356.

Submission:

Ambry Genetics
Classification: Uncertain significance for Hereditary cancer-predisposing syndrome. Last evaluated: 2021-04-23. Review status: criteria provided, single submitter. Criteria: Ambry Variant Classification Scheme 2023. Collection method: clinical testing. Allele origin: germline.
Comment: The p.S317I variant (also known as c.950G>T), located in coding exon 9 of the SMARCE1 gene, results from a G to T substitution at nucleotide position 950. The serine at codon 317 is replaced by isoleucine, an amino acid with dissimilar properties. This amino acid position is not well conserved in available vertebrate species. In addition, this alteration is predicted to be tolerated by in silico analysis. Missense and in-frame variants in SMARCE1 are known to cause neurodevelopmental disorders; however, such associations with increased risk of meningiomas are exceedingly rare (Kosho T et al. Am J Med Genet C Semin Med Genet. 2014 Sep;166C(3):262-75; Smith JM et al. Nat Genet. 2013 Mar;45(3):295-8). Based on the supporting evidence, the association of this alteration with an increased risk of Coffin-Siris syndrome is unknown; however, the association of this alteration with meningiomas is unlikely.

NM_003079.5(SMARCE1):c.950G>T (p.Ser317Ile)

Gene: SMARCE1 (SWI/SNF related BAF chromatin remodeling complex subunit E1; minus strand). Cytogenetic location: 17q21.2.
Variant type: single nucleotide variant.
Coding change: c.950G>T on transcript NM_003079.5 (MANE Select); coding-DNA position 950, G replaced by T.
Protein change: p.Ser317Ile; replaces serine 317 with isoleucine.
Molecular consequence: missense variant.
Genome position (GRCh38, 1-based): chr17:40,630,791, C>A on the plus strand (G>T on the coding strand, the complement: SMARCE1 is on the minus strand). VCF-style: chr17-40630791-C-A. GRCh37 (hg19) VCF-style: chr17-38787043-C-A.
Other names: short protein forms S317I.
Identifiers: ClinVar variation 1767222 (VCV001767222.2), dbSNP rs2508595942, ClinGen allele CA399363482.